The following is an entry in ClinVar:

ClinVar aggregate classification (germline): Uncertain significance (0 of 4 stars; one submission).

Allele frequency attached by ClinVar (database versions not stated): TOPMed below 0.00001; gnomAD 0.00001 and 0.00010; gnomAD exomes 0.00011 and 0.00021; ExAC 0.00022; 1000 Genomes Project 30x 0.00078; 1000 Genomes Project 0.00080.
gnomAD v4.1: 183 of 1,614,020 alleles (0.011%); highest among the groups gnomAD compares: South Asian, 0.18%; 3 homozygotes.

Submission:

Department of Pathology and Laboratory Medicine, Sinai Health System
Classification: Uncertain significance. Review status: no assertion criteria provided. Collection method: clinical testing. Allele origin: unknown. Affected: yes. Study: The Canadian Open Genetics Repository (COGR).
Comment: The DDB2 p.L73H variant was not identified in the literature nor was it identified in ClinVar. The variant was identified in dbSNP (ID: rs199630230) and in control databases in 52 of 251388 chromosomes at a frequency of 0.0002069, and was observed only in the South Asian population in 52 of 30616 chromosomes (freq: 0.001698) (Genome Aggregation Database March 6, 2019, v2.1.1). The p.L73 residue is conserved in mammals and computational analyses (MUT Assesor, PolyPhen-2, SIFT, MutationTaster, Revel, FATHMM, MetaLR, DANN) suggest that the variant may impact the protein; however this information is not predictive enough to assume pathogenicity. The variant occurs outside of the splicing consensus sequence and in silico or computational prediction software programs (Splice AI exome) do not predict a deleterious effect on splicing. In summary, based on the above information the clinical significance of this variant cannot be determined with certainty at this time. This variant is classified as a variant of uncertain significance.

NM_000107.3(DDB2):c.218T>A (p.Leu73His)

Gene: DDB2 (damage specific DNA binding protein 2; plus strand). Cytogenetic location: 11p11.2.
Variant type: single nucleotide variant.
Coding change: c.218T>A on transcript NM_000107.3 (MANE Select); coding-DNA position 218, T replaced by A.
Protein change: p.Leu73His; replaces leucine 73 with histidine.
Molecular consequence: missense variant.
Genome position (GRCh38, 1-based): chr11:47,216,426, T>A. VCF-style: chr11-47216426-T-A. GRCh37 (hg19) VCF-style: chr11-47237977-T-A.
Other names: c.218T>A, p.Leu73His (NM_001300734.2); short protein forms L73H.
Identifiers: ClinVar variation 1050492 (VCV001050492.1), dbSNP rs199630230, ClinGen allele CA5972459.
Genomic context (GRCh38, chr11:47,216,426, plus strand): 5'-TCTGGGTGGGGCTGGCTGGCCCACAGATCCTGCCACCATGCCGCAGCATCGTCAGGACCC[T>A]CCACCAGCATAAGCTGGGCAGAGCTTCCTGGCCATCTGTCCAGCAGGTAAGGCATTTTTT-3'
Protein context (NP_000098.1, residues 63-83): LPPCRSIVRT[Leu73His]HQHKLGRASW